The following is an entry in ClinVar:

NM_000478.6(ALPL):c.226C>T (p.Gln76Ter)

Gene: ALPL (alkaline phosphatase, biomineralization associated; plus strand). Cytogenetic location: 1p36.12.
Variant type: single nucleotide variant.
Coding change: c.226C>T on transcript NM_000478.6 (MANE Select); coding-DNA position 226, C replaced by T.
Protein change: p.Gln76Ter; replaces glutamine 76 with a stop codon.
Molecular consequence: nonsense. On other transcripts: intron variant (1).
Genome position (GRCh38, 1-based): chr1:21,561,141, C>T. VCF-style: chr1-21561141-C-T. GRCh37 (hg19) VCF-style: chr1-21887634-C-T.
Other names: c.61C>T, p.Gln21Ter (NM_001127501.4); c.226C>T, p.Gln76Ter (NM_001369803.2, NM_001369804.2, NM_001369805.2); c.66+396C>T (NM_001177520.3); short protein forms Q21*, Q76*.
Identifiers: ClinVar variation 2676587 (VCV002676587.4), dbSNP rs1333485956, ClinGen allele CA338877981.

ClinVar aggregate classification (germline): Pathogenic/Likely pathogenic. Review status: criteria provided, multiple submitters, no conflicts (2 of 4 stars). 4 submissions from 4 submitters: Pathogenic (2); Likely pathogenic (2). Last evaluated 2026-02-24.

Conditions:
Hypophosphatasia. Also called: Phosphoethanol-aminuria. Identifiers: Orphanet 436, MedGen C0020630, MeSH D007014, MONDO:0018570.
Adult hypophosphatasia. Identifiers: Orphanet 247676, Orphanet 436, MedGen C0268413, MONDO:1010154, OMIM 146300, MONDO:0007798.
Childhood hypophosphatasia. Identifiers: Orphanet 247667, Orphanet 436, MedGen C0220743, MONDO:1010168, OMIM 241510, MONDO:0009428.
Infantile hypophosphatasia. Identifiers: Orphanet 247651, Orphanet 436, MedGen C0268412, MONDO:1010169, OMIM 241500, MONDO:0009427.

Submissions (4):

Myriad Genetics, Inc.
Classification: Pathogenic for Hypophosphatasia. Last evaluated: 2026-02-24. Review status: criteria provided, single submitter. Criteria: Myriad Autosomal Dominant, Autosomal Recessive and X-Linked Classification Criteria (2023). Collection method: clinical testing. Allele origin: unknown.
Comment: NM_000478.4(ALPL):c.226C>T(Q76*) is a nonsense variant classified as pathogenic in the context of hypophosphatasia. Q76* has not been observed in cases with relevant disease. Relevant functional assessments of this variant are not available in the literature. Q76* has not been observed in referenced population frequency databases. In summary, NM_000478.4(ALPL):c.226C>T(Q76*) is a nonsense variant in a gene where loss of function is a known mechanism of disease and is predicted to disrupt protein function. Please note: this variant was assessed in the context of healthy population screening.

Labcorp Genetics (formerly Invitae), Labcorp
Classification: Pathogenic. Last evaluated: 2025-06-22. Review status: criteria provided, single submitter. Criteria: Invitae Variant Classification Sherloc (09022015). Collection method: clinical testing. Allele origin: germline.
Comment: This sequence change creates a premature translational stop signal (p.Gln76*) in the ALPL gene. It is expected to result in an absent or disrupted protein product. Loss-of-function variants in ALPL are known to be pathogenic (PMID: 3174660, 10679946, 32973344, 33814268). This variant is not present in population databases (gnomAD no frequency). This variant has not been reported in the literature in individuals affected with ALPL-related conditions. ClinVar contains an entry for this variant (Variation ID: 2676587). For these reasons, this variant has been classified as Pathogenic.

Fulgent Genetics
Classification: Likely pathogenic for Adult hypophosphatasia; Infantile hypophosphatasia; Childhood hypophosphatasia. Last evaluated: 2024-04-22. Review status: criteria provided, single submitter. Criteria: ACMG Guidelines, 2015. Collection method: clinical testing. Allele origin: germline.

Baylor Genetics
Classification: Likely pathogenic for Adult hypophosphatasia. Last evaluated: 2023-05-29. Review status: criteria provided, single submitter. Criteria: ACMG Guidelines, 2015. Collection method: clinical testing. Allele origin: unknown.

Literature cited by the submitters: PubMed 3174660 (cited by Labcorp Genetics (formerly Invitae), Labcorp); PubMed 10679946 (cited by Labcorp Genetics (formerly Invitae), Labcorp); PubMed 32973344 (cited by Labcorp Genetics (formerly Invitae), Labcorp); PubMed 33814268 (cited by Labcorp Genetics (formerly Invitae), Labcorp).